The following is an entry in ClinVar:

ClinVar aggregate classification (germline): Benign. Review status: criteria provided, multiple submitters, no conflicts (2 of 4 stars). 3 submissions from 3 submitters: Benign (3). Last evaluated 2024-01-24.

Allele frequency attached by ClinVar (database versions not stated): TOPMed 0.57909.
gnomAD v4.1: 551,167 of 1,102,270 alleles (50%); highest among the groups gnomAD compares: East Asian, 82%; 143,171 homozygotes.

Submissions (3):

Unidad de Genómica Garrahan, Hospital de Pediatría Garrahan
Classification: Benign. Last evaluated: 2024-01-24. Review status: criteria provided, single submitter. Criteria: ACMG Guidelines, 2015. Collection method: clinical testing. Allele origin: germline. Affected: no. Observed: 66 variant alleles.
Comment: This variant is classified as Benign based on local population frequency. This variant was detected in 69% of patients studied by a panel of primary immunodeficiencies. Number of patients: 66. Only high quality variants are reported.

GeneDx
Classification: Benign. Last evaluated: 2021-06-19. Review status: criteria provided, single submitter. Criteria: GeneDx Variant Classification Process June 2021. Collection method: clinical testing. Allele origin: germline. Affected: yes.

Breakthrough Genomics
Classification: Benign. Review status: criteria provided, single submitter. Criteria: ACMG Guidelines, 2015. Collection method: not provided. Allele origin: germline. Inheritance: Autosomal recessive inheritance. Affected: yes.

NM_005534.4(IFNGR2):c.880-86T>A

Genes: IFNGR2 (interferon gamma receptor 2; plus strand), TMEM50B (transmembrane protein 50B; minus strand). Cytogenetic location: 21q22.11.
Variant type: single nucleotide variant.
Coding change: c.880-86T>A on transcript NM_005534.4 (MANE Select); 86 bases into the intron before coding-DNA position 880, T replaced by A.
Molecular consequence: intron variant.
Genome position (GRCh38, 1-based): chr21:33,436,742, T>A. VCF-style: chr21-33436742-T-A. GRCh37 (hg19) VCF-style: chr21-34809049-T-A.
Other names: c.937-86T>A (NM_001329128.2).
Identifiers: ClinVar variation 1266737 (VCV001266737.5), dbSNP rs2040120, ClinGen allele CA15981951.